The following is an entry in ClinVar:

NM_206933.4(USH2A):c.9820T>A (p.Ser3274Thr)

Gene: USH2A (usherin; minus strand). Cytogenetic location: 1q41.
Variant type: single nucleotide variant.
Coding change: c.9820T>A on transcript NM_206933.4 (MANE Select); coding-DNA position 9820, T replaced by A.
Protein change: p.Ser3274Thr; replaces serine 3274 with threonine.
Molecular consequence: missense variant.
Genome position (GRCh38, 1-based): chr1:215,799,045, A>T on the plus strand (T>A on the coding strand, the complement: USH2A is on the minus strand). VCF-style: chr1-215799045-A-T. GRCh37 (hg19) VCF-style: chr1-215972387-A-T.
Other names: short protein forms S3274T.
Identifiers: ClinVar variation 595198 (VCV000595198.7), dbSNP rs1236116000, ClinGen allele CA344849471.

ClinVar aggregate classification (germline): Uncertain significance. Review status: criteria provided, multiple submitters, no conflicts (2 of 4 stars). 4 submissions from 3 submitters: Uncertain significance (4). Last evaluated 2023-11-04.

Conditions:
Usher syndrome type 2A. Also called: RETINAL DISEASE IN USHER SYNDROME TYPE IIA, MODIFIER OF; USHER SYNDROME, TYPE IIA. Identifiers: Orphanet 231178, Orphanet 886, MedGen C1848634, MONDO:0010169, OMIM 276901.
Retinitis pigmentosa 39 (RP39). Identifiers: Orphanet 791, MedGen C3151138, MONDO:0013436, OMIM 613809.

Allele frequency attached by ClinVar (database versions not stated): gnomAD exomes below 0.00001; gnomAD 0.00001; TOPMed 0.00001.
gnomAD v4.1: 4 of 1,614,090 alleles (0.00025%); highest among the groups gnomAD compares: Non-Finnish European, 0.00017%; no homozygotes.

Submissions (4):

Genome-Nilou Lab
Classification: Uncertain significance for Retinitis pigmentosa 39. Last evaluated: 2023-11-04. Review status: criteria provided, single submitter. Criteria: ACMG Guidelines, 2015. Collection method: clinical testing. Allele origin: germline. Affected: no.

Genome-Nilou Lab
Classification: Uncertain significance for Usher syndrome type 2A. Last evaluated: 2023-11-04. Review status: criteria provided, single submitter. Criteria: ACMG Guidelines, 2015. Collection method: clinical testing. Allele origin: germline. Affected: no.

Labcorp Genetics (formerly Invitae), Labcorp
Classification: Uncertain significance. Last evaluated: 2022-03-31. Review status: criteria provided, single submitter. Criteria: Invitae Variant Classification Sherloc (09022015). Collection method: clinical testing. Allele origin: germline.
Comment: This sequence change replaces serine, which is neutral and polar, with threonine, which is neutral and polar, at codon 3274 of the USH2A protein (p.Ser3274Thr). This variant is present in population databases (no rsID available, gnomAD 0.0009%). This variant has not been reported in the literature in individuals affected with USH2A-related conditions. ClinVar contains an entry for this variant (Variation ID: 595198). Algorithms developed to predict the effect of missense changes on protein structure and function (SIFT, PolyPhen-2, Align-GVGD) all suggest that this variant is likely to be tolerated. In summary, the available evidence is currently insufficient to determine the role of this variant in disease. Therefore, it has been classified as a Variant of Uncertain Significance.

Eurofins Ntd Llc (ga)
Classification: Uncertain significance. Last evaluated: 2017-12-20. Review status: criteria provided, single submitter. Criteria: EGL Classification Definitions 2015. Collection method: clinical testing. Allele origin: germline. Observed: 1 variant allele, 1 heterozygote.